The following is an entry in ClinVar:

ClinVar aggregate classification (germline): Conflicting classifications of pathogenicity. Review status: criteria provided, conflicting classifications (1 of 4 stars). 3 submissions from 3 submitters: Uncertain significance (2); Likely benign (1). Last evaluated 2025-03-24.

Conditions:
Hereditary cancer-predisposing syndrome. Also called: Neoplastic Syndromes, Hereditary; Hereditary Cancer Syndrome; Hereditary neoplastic syndrome; Tumor predisposition. Identifiers: Orphanet 140162, MedGen C0027672, MeSH D009386, MONDO:0015356.
Hereditary breast ovarian cancer syndrome. Also called: Hereditary breast and/or ovarian cancer syndrome; BRCA1- and BRCA2-Associated Hereditary Breast and Ovarian Cancer; Hereditary breast and ovarian cancer syndrome; Hereditary breast and ovarian cancer; Hereditary breast and ovarian cancer syndrome (HBOC); Breast and ovarian cancer. Identifiers: Orphanet 145, MedGen C0677776, MeSH D061325, MONDO:0003582. Disease mechanism: loss of function.

Allele frequency attached by ClinVar (database versions not stated): ExAC 0.00001; gnomAD exomes 0.00001.
gnomAD v4.1: 2 of 1,603,694 alleles (0.00012%); highest among the groups gnomAD compares: Admixed American, 0.0035%; no homozygotes.

Submissions (3):

Ambry Genetics
Classification: Uncertain significance for Hereditary cancer-predisposing syndrome. Last evaluated: 2025-03-24. Review status: criteria provided, single submitter. Criteria: Ambry Variant Classification Scheme 2023. Collection method: clinical testing. Allele origin: germline.
Comment: The p.I283S variant (also known as c.848T>G), located in coding exon 9 of the BRCA2 gene, results from a T to G substitution at nucleotide position 848. The isoleucine at codon 283 is replaced by serine, an amino acid with dissimilar properties. This amino acid position is poorly conserved in available vertebrate species. In addition, this alteration is predicted to be tolerated by in silico analysis. Since supporting evidence is limited at this time, the clinical significance of this alteration remains unclear.

Labcorp Genetics (formerly Invitae), Labcorp
Classification: Uncertain significance for Hereditary breast ovarian cancer syndrome. Last evaluated: 2023-12-05. Review status: criteria provided, single submitter. Criteria: Invitae Variant Classification Sherloc (09022015). Collection method: clinical testing. Allele origin: germline.
Comment: This sequence change replaces isoleucine, which is neutral and non-polar, with serine, which is neutral and polar, at codon 283 of the BRCA2 protein (p.Ile283Ser). This variant is present in population databases (rs730881507, gnomAD 0.006%). This variant has not been reported in the literature in individuals affected with BRCA2-related conditions. ClinVar contains an entry for this variant (Variation ID: 1418986). Advanced modeling of protein sequence and biophysical properties (such as structural, functional, and spatial information, amino acid conservation, physicochemical variation, residue mobility, and thermodynamic stability) performed at Invitae indicates that this missense variant is not expected to disrupt BRCA2 protein function with a negative predictive value of 95%. In summary, the available evidence is currently insufficient to determine the role of this variant in disease. Therefore, it has been classified as a Variant of Uncertain Significance.

University of Washington Department of Laboratory Medicine, University of Washington
Classification: Likely benign for Hereditary cancer-predisposing syndrome. Last evaluated: 2023-03-23. Review status: criteria provided, single submitter. Criteria: Dines et al. (Genet Med. 2020). Collection method: curation. Allele origin: germline.
Comment: Missense variant in a coldspot region where missense variants are very unlikely to be pathogenic (PMID:31911673).

BRCA2 exon 10 coldspot. Reclassification based on statistical prior probability.

NM_000059.4(BRCA2):c.848T>G (p.Ile283Ser)

Gene: BRCA2 (BRCA2 DNA repair associated; plus strand). Cytogenetic location: 13q13.1.
Variant type: single nucleotide variant.
Coding change: c.848T>G on transcript NM_000059.4 (MANE Select); coding-DNA position 848, T replaced by G.
Protein change: p.Ile283Ser; replaces isoleucine 283 with serine.
Molecular consequence: missense variant.
Genome position (GRCh38, 1-based): chr13:32,332,326, T>G. VCF-style: chr13-32332326-T-G. GRCh37 (hg19) VCF-style: chr13-32906463-T-G.
Other names: short protein forms I283S.
Identifiers: ClinVar variation 1418986 (VCV001418986.10), dbSNP rs730881507, ClinGen allele CA6940471.
Genomic context (GRCh38, chr13:32,332,326, plus strand): 5'-TAACAGGATTTGGAAAAACATCAGGGAATTCATTTAAAGTAAATAGCTGCAAAGACCACA[T>G]TGGAAAGTCAATGCCAAATGTCCTAGAAGATGAAGTATATGAAACAGTTGTAGATACCTC-3'
Protein context (NP_000050.3, residues 273-293): SFKVNSCKDH[Ile283Ser]GKSMPNVLED